The following is an entry in ClinVar:

NM_006580.4(CLDN16):c.460A>G (p.Ile154Val)

Gene: CLDN16 (claudin 16; plus strand). Cytogenetic location: 3q28.
Variant type: single nucleotide variant.
Coding change: c.460A>G on transcript NM_006580.4 (MANE Select); coding-DNA position 460, A replaced by G.
Protein change: p.Ile154Val; replaces isoleucine 154 with valine.
Molecular consequence: missense variant.
Genome position (GRCh38, 1-based): chr3:190,408,391, A>G. VCF-style: chr3-190408391-A-G. GRCh37 (hg19) VCF-style: chr3-190126180-A-G.
Other names: c.460A>G, p.Ile154Val (NM_001378492.1, NM_001378493.1); short protein forms I154V.
Identifiers: ClinVar variation 1933385 (VCV001933385.6), dbSNP rs769190460, ClinGen allele CA2753878.

ClinVar aggregate classification (germline): Uncertain significance. Review status: criteria provided, multiple submitters, no conflicts (2 of 4 stars). 2 submissions from 2 submitters: Uncertain significance (2). Last evaluated 2024-04-05.

Conditions:
Primary hypomagnesemia (HOMG3). Also called: HYPOMAGNESEMIA 3, RENAL; HYPOMAGNESEMIA, FAMILIAL, WITH HYPERCALCIURIA AND NEPHROCALCINOSIS; HYPOMAGNESEMIA, ISOLATED RENAL; HYPOMAGNESEMIA, PRIMARY, DUE TO DEFECT IN RENAL TUBULAR TRANSPORT OF MAGNESIUM. Identifiers: Orphanet 31043, MedGen C0268448, MONDO:0009550, OMIM 248250.

Allele frequency attached by ClinVar (database versions not stated): TOPMed below 0.00001; gnomAD 0.00001; gnomAD exomes 0.00001; ExAC 0.00003.
gnomAD v4.1: 13 of 1,613,978 alleles (0.00081%); highest among the groups gnomAD compares: South Asian, 0.0088%; no homozygotes.

Submissions (2):

Fulgent Genetics
Classification: Uncertain significance for Primary hypomagnesemia. Last evaluated: 2024-04-05. Review status: criteria provided, single submitter. Criteria: ACMG Guidelines, 2015. Collection method: clinical testing. Allele origin: germline.

Labcorp Genetics (formerly Invitae), Labcorp
Classification: Uncertain significance. Last evaluated: 2022-05-25. Review status: criteria provided, single submitter. Criteria: Invitae Variant Classification Sherloc (09022015). Collection method: clinical testing. Allele origin: germline.
Comment: This sequence change replaces isoleucine, which is neutral and non-polar, with valine, which is neutral and non-polar, at codon 224 of the CLDN16 protein (p.Ile224Val). This variant is present in population databases (rs769190460, gnomAD 0.01%). This variant has not been reported in the literature in individuals affected with CLDN16-related conditions. Algorithms developed to predict the effect of missense changes on protein structure and function output the following: SIFT: "Tolerated"; PolyPhen-2: "Benign"; Align-GVGD: "Class C0". The valine amino acid residue is found in multiple mammalian species, which suggests that this missense change does not adversely affect protein function. In summary, the available evidence is currently insufficient to determine the role of this variant in disease. Therefore, it has been classified as a Variant of Uncertain Significance.